The following is an entry in ClinVar:

NM_004817.4(TJP2):c.1776C>T (p.Ala592=)

Gene: TJP2 (tight junction protein 2; plus strand). Cytogenetic location: 9q21.11.
Variant type: single nucleotide variant.
Coding change: c.1776C>T on transcript NM_004817.4 (MANE Select); coding-DNA position 1776, C replaced by T.
Protein change: p.Ala592=; no amino-acid change (alanine 592 retained).
Molecular consequence: synonymous variant.
Genome position (GRCh38, 1-based): chr9:69,234,543, C>T. VCF-style: chr9-69234543-C-T. GRCh37 (hg19) VCF-style: chr9-71849459-C-T.
Other names: c.1707C>T, p.Ala569= (NM_001170414.2, NM_001369871.1); c.1788C>T, p.Ala596= (NM_001170415.1, NM_001369874.1, NM_001369875.1); c.1869C>T, p.Ala623= (NM_001170416.2); c.1701C>T, p.Ala567= (NM_001369870.1); c.1776C>T, p.Ala592= (NM_001369872.1, NM_001369873.1, NM_201629.3); c.1776C>T (NM_004817.3).
Identifiers: ClinVar variation 2413634 (VCV002413634.9), dbSNP rs17852440, ClinGen allele CA5073454.

ClinVar aggregate classification (germline): Likely benign. Review status: criteria provided, single submitter (1 of 4 stars). 2 submissions from 2 submitters: Likely benign (1). 1 of the submissions does not count toward it. Last evaluated 2024-09-16.

Conditions:
TJP2-related disorder. Also called: TJP2-related condition.

Allele frequency attached by ClinVar (database versions not stated): gnomAD 0.00003; gnomAD exomes 0.00003; ExAC 0.00007.
gnomAD v4.1: 34 of 1,248,258 alleles (0.0027%); highest among the groups gnomAD compares: African/African-American, 0.0037%; no homozygotes.

Submissions (2):

Labcorp Genetics (formerly Invitae), Labcorp
Classification: Likely benign. Last evaluated: 2024-09-16. Review status: criteria provided, single submitter. Criteria: Invitae Variant Classification Sherloc (09022015). Collection method: clinical testing. Allele origin: germline.

PreventionGenetics, part of Exact Sciences
Classification: Likely benign for TJP2-related condition. Last evaluated: 2022-07-13. Review status: no assertion criteria provided. Collection method: clinical testing. Allele origin: germline. Not counted in ClinVar's aggregate classification.
Comment: This variant is classified as likely benign based on ACMG/AMP sequence variant interpretation guidelines (Richards et al. 2015 PMID: 25741868, with internal and published modifications).